The following is an entry in ClinVar:

ClinVar aggregate classification (germline): Uncertain significance. Review status: criteria provided, multiple submitters, no conflicts (2 of 4 stars). 2 submissions from 2 submitters: Uncertain significance (2). Last evaluated 2024-06-25.

Conditions:
Orofaciodigital syndrome type 6 (OFD6). Also called: Oral-facial-digital syndrome type 6; Central polydactyly cleft lip/palate or lingual lump and psychomotor retardation; Y-shaped central metacarpal and cerebellar defect; Joubert syndrome with orofacialdigital anomalies; OROFACIODIGITAL SYNDROME VI; OFDS VI. Identifiers: Orphanet 2754, MedGen C2745997, MONDO:0010176, OMIM 277170.
Joubert syndrome 17 (JBTS17). Identifiers: Orphanet 475, MedGen C3553264, MONDO:0013824, OMIM 614615.

Allele frequency attached by ClinVar (database versions not stated): gnomAD exomes below 0.00001; TOPMed below 0.00001; gnomAD 0.00001.
gnomAD v4.1: 3 of 1,614,102 alleles (0.00019%); highest among the groups gnomAD compares: African/African-American, 0.0027%; no homozygotes.

Submissions (2):

Labcorp Genetics (formerly Invitae), Labcorp
Classification: Uncertain significance. Last evaluated: 2024-06-25. Review status: criteria provided, single submitter. Criteria: Invitae Variant Classification Sherloc (09022015). Collection method: clinical testing. Allele origin: germline.
Comment: This sequence change replaces threonine, which is neutral and polar, with alanine, which is neutral and non-polar, at codon 2034 of the CPLANE1 protein (p.Thr2034Ala). This variant is present in population databases (no rsID available, gnomAD 0.003%). This variant has not been reported in the literature in individuals affected with CPLANE1-related conditions. ClinVar contains an entry for this variant (Variation ID: 1437788). Advanced modeling of protein sequence and biophysical properties (such as structural, functional, and spatial information, amino acid conservation, physicochemical variation, residue mobility, and thermodynamic stability) performed at Invitae indicates that this missense variant is not expected to disrupt CPLANE1 protein function with a negative predictive value of 95%. In summary, the available evidence is currently insufficient to determine the role of this variant in disease. Therefore, it has been classified as a Variant of Uncertain Significance.

Fulgent Genetics
Classification: Uncertain significance for Orofaciodigital syndrome type 6; Joubert syndrome 17. Last evaluated: 2024-04-29. Review status: criteria provided, single submitter. Criteria: ACMG Guidelines, 2015. Collection method: clinical testing. Allele origin: germline.

NM_001384732.1(CPLANE1):c.6100A>G (p.Thr2034Ala)

Gene: CPLANE1 (ciliogenesis and planar polarity effector complex subunit 1; minus strand). Cytogenetic location: 5p13.2.
Variant type: single nucleotide variant.
Coding change: c.6100A>G on transcript NM_001384732.1 (MANE Select); coding-DNA position 6100, A replaced by G.
Protein change: p.Thr2034Ala; replaces threonine 2034 with alanine.
Molecular consequence: missense variant.
Genome position (GRCh38, 1-based): chr5:37,173,826, T>C on the plus strand (A>G on the coding strand, the complement: CPLANE1 is on the minus strand). VCF-style: chr5-37173826-T-C. GRCh37 (hg19) VCF-style: chr5-37173928-T-C.
Other names: c.6100A>G (NM_023073.3); c.6100A>G, p.Thr2034Ala (NM_023073.4); short protein forms T2034A.
Identifiers: ClinVar variation 1437788 (VCV001437788.7), dbSNP rs1228475615, ClinGen allele CA359484882.